The following is an entry in ClinVar:

NM_003803.4(MYOM1):c.4480C>T (p.His1494Tyr)

Gene: MYOM1 (myomesin 1; minus strand). Cytogenetic location: 18p11.31.
Variant type: single nucleotide variant.
Coding change: c.4480C>T on transcript NM_003803.4 (MANE Select); coding-DNA position 4480, C replaced by T.
Protein change: p.His1494Tyr; replaces histidine 1494 with tyrosine.
Molecular consequence: missense variant.
Genome position (GRCh38, 1-based): chr18:3,083,793, G>A on the plus strand (C>T on the coding strand, the complement: MYOM1 is on the minus strand). VCF-style: chr18-3083793-G-A. GRCh37 (hg19) VCF-style: chr18-3083791-G-A.
Other names: c.4192C>T, p.His1398Tyr (NM_019856.2); short protein forms H1494Y, H1398Y.
Identifiers: ClinVar variation 2447672 (VCV002447672.2), dbSNP rs1263136499, ClinGen allele CA401709421.
Genomic context (GRCh38, chr18:3,083,793, plus strand): 5'-GCCGCGCCTGGCAGGGAAAGAATTTCTACACAGCAAGTAAGTTCTCATTTACTTACTTGT[G>A]GGACCAGTTAACTTTCAAATCCTCCACATAGTAAGTTACAAAAGAGTACAGTTGGATGCC-3'
Protein context (NP_003794.3, residues 1484-1504): YVEDLKVNWS[His1494Tyr]NGSAIRYSDR

ClinVar aggregate classification (germline): Uncertain significance (1 of 4 stars; one submission).

Allele frequency attached by ClinVar (database versions not stated): gnomAD 0.00001; TOPMed 0.00001.

Submission:

Ambry Genetics
Classification: Uncertain significance. Last evaluated: 2023-01-01. Review status: criteria provided, single submitter. Criteria: Ambry Variant Classification Scheme 2023. Collection method: clinical testing. Allele origin: germline.
Comment: The p.H1494Y variant (also known as c.4480C>T), located in coding exon 32 of the MYOM1 gene, results from a C to T substitution at nucleotide position 4480. The histidine at codon 1494 is replaced by tyrosine, an amino acid with similar properties. This amino acid position is conserved. In addition, this alteration is predicted to be tolerated by in silico analysis. Since supporting evidence is limited at this time, the clinical significance of this alteration remains unclear.